The following is an entry in ClinVar:

ClinVar aggregate classification (germline): Uncertain significance (1 of 4 stars; one submission).

Allele frequency attached by ClinVar (database versions not stated): TOPMed below 0.00001; gnomAD 0.00001; gnomAD exomes 0.00001.
gnomAD v4.1: 13 of 1,568,076 alleles (0.00083%); highest among the groups gnomAD compares: Non-Finnish European, 0.0011%; no homozygotes.

Submission:

Labcorp Genetics (formerly Invitae), Labcorp
Classification: Uncertain significance. Last evaluated: 2023-05-22. Review status: criteria provided, single submitter. Criteria: Invitae Variant Classification Sherloc (09022015). Collection method: clinical testing. Allele origin: germline.
Comment: This sequence change replaces histidine, which is basic and polar, with arginine, which is basic and polar, at codon 889 of the CACNA1E protein (p.His889Arg). This variant is present in population databases (no rsID available, gnomAD 0.001%). This variant has not been reported in the literature in individuals affected with CACNA1E-related conditions. Advanced modeling of protein sequence and biophysical properties (such as structural, functional, and spatial information, amino acid conservation, physicochemical variation, residue mobility, and thermodynamic stability) has been performed at Invitae for this missense variant, however the output from this modeling did not meet the statistical confidence thresholds required to predict the impact of this variant on CACNA1E protein function. In summary, the available evidence is currently insufficient to determine the role of this variant in disease. Therefore, it has been classified as a Variant of Uncertain Significance.

NM_001205293.3(CACNA1E):c.2666A>G (p.His889Arg)

Gene: CACNA1E (calcium voltage-gated channel subunit alpha1 E; plus strand). Cytogenetic location: 1q25.3.
Variant type: single nucleotide variant.
Coding change: c.2666A>G on transcript NM_001205293.3 (MANE Select); coding-DNA position 2666, A replaced by G.
Protein change: p.His889Arg; replaces histidine 889 with arginine.
Molecular consequence: missense variant.
Genome position (GRCh38, 1-based): chr1:181,732,752, A>G. VCF-style: chr1-181732752-A-G. GRCh37 (hg19) VCF-style: chr1-181701888-A-G.
Other names: c.2666A>G, p.His889Arg (NM_000721.4); c.2609A>G, p.His870Arg (NM_001205294.2); short protein forms H889R, H870R.
Identifiers: ClinVar variation 2878416 (VCV002878416.3), dbSNP rs1398260319, ClinGen allele CA343618459.